The following is an entry in ClinVar:

NM_002528.7(NTHL1):c.743C>A (p.Thr248Asn)

Gene: NTHL1 (nth like DNA glycosylase 1; minus strand). Cytogenetic location: 16p13.3.
Variant type: single nucleotide variant.
Coding change: c.743C>A on transcript NM_002528.7 (MANE Select); coding-DNA position 743, C replaced by A.
Protein change: p.Thr248Asn; replaces threonine 248 with asparagine.
Molecular consequence: missense variant.
Genome position (GRCh38, 1-based): chr16:2,040,181, G>T on the plus strand (C>A on the coding strand, the complement: NTHL1 is on the minus strand). VCF-style: chr16-2040181-G-T. GRCh37 (hg19) VCF-style: chr16-2090182-G-T.
Other names: c.572C>A, p.Thr191Asn (NM_001318193.2); c.413C>A, p.Thr138Asn (NM_001318194.2); short protein forms T138N, T248N, T191N.
Identifiers: ClinVar variation 863334 (VCV000863334.14), dbSNP rs577781337, ClinGen allele CA7828133.

ClinVar aggregate classification (germline): Uncertain significance. Review status: criteria provided, multiple submitters, no conflicts (2 of 4 stars). 2 submissions from 2 submitters: Uncertain significance (2). Last evaluated 2025-06-19.

Conditions:
Hereditary cancer-predisposing syndrome. Also called: Hereditary Cancer Syndrome; Tumor predisposition; Neoplastic Syndromes, Hereditary; Hereditary neoplastic syndrome. Identifiers: Orphanet 140162, MedGen C0027672, MeSH D009386, MONDO:0015356.

gnomAD v4.1: 13 of 1,614,000 alleles (0.00081%); highest among the groups gnomAD compares: Non-Finnish European, 0.00085%; no homozygotes.

Submissions (2):

Ambry Genetics
Classification: Uncertain significance for Hereditary cancer-predisposing syndrome. Last evaluated: 2025-06-19. Review status: criteria provided, single submitter. Criteria: Ambry Variant Classification Scheme 2023. Collection method: clinical testing. Allele origin: germline.
Comment: The p.T256N variant (also known as c.767C>A), located in coding exon 5 of the NTHL1 gene, results from a C to A substitution at nucleotide position 767. The threonine at codon 256 is replaced by asparagine, an amino acid with similar properties. This amino acid position is conserved. In addition, the in silico prediction for this alteration is inconclusive. Since supporting evidence is limited at this time, the clinical significance of this alteration remains unclear.

Labcorp Genetics (formerly Invitae), Labcorp
Classification: Uncertain significance. Last evaluated: 2024-03-18. Review status: criteria provided, single submitter. Criteria: Invitae Variant Classification Sherloc (09022015). Collection method: clinical testing. Allele origin: germline.
Comment: This sequence change replaces threonine, which is neutral and polar, with asparagine, which is neutral and polar, at codon 256 of the NTHL1 protein (p.Thr256Asn). This variant is present in population databases (rs577781337, gnomAD 0.004%). This variant has not been reported in the literature in individuals affected with NTHL1-related conditions. ClinVar contains an entry for this variant (Variation ID: 863334). An algorithm developed to predict the effect of missense changes on protein structure and function (PolyPhen-2) suggests that this variant is likely to be disruptive. In summary, the available evidence is currently insufficient to determine the role of this variant in disease. Therefore, it has been classified as a Variant of Uncertain Significance.